The following is an entry in ClinVar:

NM_001292063.2(OTOG):c.1498+3A>G

Gene: OTOG (otogelin; plus strand). Cytogenetic location: 11p15.1.
Variant type: single nucleotide variant.
Coding change: c.1498+3A>G on transcript NM_001292063.2 (MANE Select); 3 bases into the intron after coding-DNA position 1498, A replaced by G.
Molecular consequence: intron variant.
Genome position (GRCh38, 1-based): chr11:17,561,140, A>G. VCF-style: chr11-17561140-A-G. GRCh37 (hg19) VCF-style: chr11-17582687-A-G.
Other names: c.1534+3A>G (NM_001277269.2).
Identifiers: ClinVar variation 4698736 (VCV004698736.1).

ClinVar aggregate classification (germline): Uncertain significance (1 of 4 stars; one submission).

gnomAD v4.1: 1 of 1,550,502 alleles (0.000064%); highest among the groups gnomAD compares: Middle Eastern, 0.017%; no homozygotes.

Submission:

Labcorp Genetics (formerly Invitae), Labcorp
Classification: Uncertain significance. Last evaluated: 2025-09-10. Review status: criteria provided, single submitter. Criteria: Invitae Variant Classification Sherloc (09022015). Collection method: clinical testing. Allele origin: germline.
Comment: This sequence change falls in intron 13 of the OTOG gene. It does not directly change the encoded amino acid sequence of the OTOG protein. It affects a nucleotide within the consensus splice site. This variant is not present in population databases (gnomAD no frequency). This variant has not been reported in the literature in individuals affected with OTOG-related conditions. Variants that disrupt the consensus splice site are a relatively common cause of aberrant splicing (PMID: 17576681, 9536098). Algorithms developed to predict the effect of sequence changes on RNA splicing suggest that this variant may disrupt the consensus splice site. In summary, the available evidence is currently insufficient to determine the role of this variant in disease. Therefore, it has been classified as a Variant of Uncertain Significance.

Literature cited by the submitters: PubMed 17576681; PubMed 9536098.